The following is an entry in ClinVar:

ClinVar aggregate classification (germline): Conflicting classifications of pathogenicity. Review status: criteria provided, conflicting classifications (1 of 4 stars). 4 submissions from 4 submitters: Likely pathogenic (1); Uncertain significance (3). Last evaluated 2024-01-22.

Conditions:
Regional enteritis. Also called: Enteritis, Granulomatous. Identifiers: MedGen C0678202, MeSH D003424.
Blau syndrome (BLAUS). Also called: GRANULOMATOSIS, FAMILIAL JUVENILE SYSTEMIC; GRANULOMATOSIS, FAMILIAL, BLAU TYPE; GRANULOMATOUS INFLAMMATORY ARTHRITIS, DERMATITIS, AND UVEITIS, FAMILIAL; JABS SYNDROME; ARTHROCUTANEOUVEAL GRANULOMATOSIS. Identifiers: Orphanet 90340, MedGen C5201146, MONDO:0008523, OMIM 186580.
Autoinflammatory syndrome. Identifiers: Orphanet 93665, MedGen C3890737, MONDO:0019751.

Allele frequency attached by ClinVar (database versions not stated): gnomAD 0.00001; ExAC 0.00002; TOPMed 0.00002.
gnomAD v4.1: 20 of 1,592,424 alleles (0.0013%); highest among the groups gnomAD compares: Non-Finnish European, 0.0015%; no homozygotes.

Submissions (4):

Labcorp Genetics (formerly Invitae), Labcorp
Classification: Uncertain significance for Regional enteritis; Blau syndrome. Last evaluated: 2024-01-22. Review status: criteria provided, single submitter. Criteria: Invitae Variant Classification Sherloc (09022015). Collection method: clinical testing. Allele origin: germline.
Comment: This sequence change affects a donor splice site in intron 3 of the NOD2 gene. It is expected to disrupt RNA splicing. Variants that disrupt the donor or acceptor splice site typically lead to a loss of protein function (PMID: 16199547), however the current clinical and genetic evidence is not sufficient to establish whether loss-of-function variants in NOD2 cause disease. This variant is present in population databases (rs766614906, gnomAD 0.004%). This variant has not been reported in the literature in individuals affected with NOD2-related conditions. ClinVar contains an entry for this variant (Variation ID: 432100). Algorithms developed to predict the effect of sequence changes on RNA splicing suggest that this variant may disrupt the consensus splice site. In summary, the available evidence is currently insufficient to determine the role of this variant in disease. Therefore, it has been classified as a Variant of Uncertain Significance.

ARUP Laboratories, Molecular Genetics and Genomics, ARUP Laboratories
Classification: Uncertain significance. Last evaluated: 2023-10-27. Review status: criteria provided, single submitter. Criteria: ARUP Molecular Germline Variant Investigation Process 2024. Collection method: clinical testing. Allele origin: germline.
Comment: The NOD2 c.646+1G>A variant (rs766614906), to our knowledge, is not reported in the medical literature but is reported in ClinVar (Variation ID: 432100). This variant is found in the general population with an overall allele frequency of 0.0018% (5/282892 alleles) in the Genome Aggregation Database. This variant disrupts the canonical splice donor site of intron 3; however, loss-of-function variants are not an established mechanism of disease for Blau syndrome but have been associated with an increased risk for Crohn’s disease (Huang 2017). Due to limited information, the clinical significance of this variant is uncertain at this time. References: Huang H et al. Fine-mapping inflammatory bowel disease loci to single-variant resolution. Nature. 2017 Jul 13;547(7662):173-178. PMID: 28658209.

Genome Diagnostics Laboratory, The Hospital for Sick Children
Classification: Uncertain significance for Autoinflammatory syndrome. Last evaluated: 2021-05-31. Review status: criteria provided, single submitter. Criteria: ACMG Guidelines, 2015. Collection method: clinical testing. Allele origin: germline. Affected: yes.

GeneDx
Classification: Likely pathogenic. Last evaluated: 2016-02-27. Review status: criteria provided, single submitter. Criteria: GeneDx Variant Classification (06012015). Collection method: clinical testing. Allele origin: germline. Affected: yes.
Comment: The c.646+1G>A variant in the NOD2 gene has not been reported previously as a pathogenic variant nor as a benign variant, to our knowledge. This splice site variant destroys the canonical splice donor site in intron 3. It is predicted to cause abnormal gene splicing, either leading to an abnormal message that is subject to nonsense-mediated mRNA decay, or to an abnormal protein product if the message is used for protein translation. The c.646+1G>A variant was not observed in approximately 6500 individuals of European and African American ancestry in the NHLBI Exome Sequencing Project, indicating it is not a common benign variant in these populations. The c.646+1G>A variant is a strong candidate for a pathogenic variant however the possibility it may be a rare benign variant cannot be excluded.

Literature cited by the submitters: PubMed 16199547 (cited by Labcorp Genetics (formerly Invitae), Labcorp).

NM_001370466.1(NOD2):c.565+1G>A

Gene: NOD2 (nucleotide binding oligomerization domain containing 2; plus strand). Cytogenetic location: 16q12.1.
Variant type: single nucleotide variant.
Coding change: c.565+1G>A on transcript NM_001370466.1 (MANE Select); the canonical splice donor site of the intron after coding-DNA position 565, G replaced by A.
Molecular consequence: splice donor variant.
Genome position (GRCh38, 1-based): chr16:50,707,961, G>A. VCF-style: chr16-50707961-G-A. GRCh37 (hg19) VCF-style: chr16-50741872-G-A.
Other names: c.646+1G>A (NM_022162.3); c.565+1G>A (NM_001293557.2).
Identifiers: ClinVar variation 432100 (VCV000432100.11), dbSNP rs766614906, ClinGen allele CA8051341.